The following is an entry in ClinVar:

NM_004960.4(FUS):c.*108C>T

Gene: FUS (FUS RNA binding protein; plus strand). Cytogenetic location: 16p11.2.
Variant type: single nucleotide variant.
Coding change: c.*108C>T on transcript NM_004960.4 (MANE Select); 108 bases downstream of the stop codon, C replaced by T.
Molecular consequence: 3 prime UTR variant. On other transcripts: non-coding transcript variant (1).
Genome position (GRCh38, 1-based): chr16:31,191,546, C>T. VCF-style: chr16-31191546-C-T. GRCh37 (hg19) VCF-style: chr16-31202867-C-T.
Other names: c.*108C>T (NM_001170634.1, NM_001170937.1).
Identifiers: ClinVar variation 567482 (VCV000567482.9), dbSNP rs780606789, ClinGen allele CA8024146.

ClinVar aggregate classification (germline): Uncertain significance (1 of 4 stars; one submission).

Conditions:
Amyotrophic lateral sclerosis type 6. Also called: FUS-Related Amyotrophic Laterial Sclerosis; AMYOTROPHIC LATERAL SCLEROSIS 6 WITHOUT FRONTOTEMPORAL DEMENTIA; Amyotrophic lateral sclerosis 6, with or without frontotemporal dementia. Identifiers: Orphanet 275872, Orphanet 803, MedGen C2931786, MONDO:0011951, OMIM 608030.
Tremor, hereditary essential, 4 (ETM4). Identifiers: MedGen C3539195, MONDO:0013888, OMIM 614782.

Allele frequency attached by ClinVar (database versions not stated): gnomAD 0.00001 and 0.00002; ExAC 0.00002; gnomAD exomes 0.00002; TOPMed 0.00003.
gnomAD v4.1: 46 of 1,221,484 alleles (0.0038%); highest among the groups gnomAD compares: Middle Eastern, 0.047%; no homozygotes.

Submission:

Labcorp Genetics (formerly Invitae), Labcorp
Classification: Uncertain significance for Tremor, hereditary essential, 4; Amyotrophic lateral sclerosis type 6. Last evaluated: 2018-06-05. Review status: criteria provided, single submitter. Criteria: Invitae Variant Classification Sherloc (09022015). Collection method: clinical testing. Allele origin: germline.
Comment: This sequence change falls in the 3' UTR of the FUS gene. It does not directly change the encoded amino acid sequence of the FUS protein. This variant is present in population databases (rs780606789, ExAC 0.004%). In summary, the available evidence is currently insufficient to determine the role of this variant in disease. Therefore, it has been classified as a Variant of Uncertain Significance. Experimental studies have shown that this sequence change affects RNA expression levels (PMID: 23847048). This variant has been observed in an individual affected with amyotrophic lateral sclerosis (ALS) (PMID: 23847048).

Literature cited by the submitters: PubMed 23847048.